The following is an entry in ClinVar:

ClinVar aggregate classification (germline): Conflicting classifications of pathogenicity. Review status: criteria provided, conflicting classifications (1 of 4 stars). 2 submissions from 2 submitters: Uncertain significance (1); Likely benign (1). Last evaluated 2026-07-02.

Conditions:
Hereditary cancer-predisposing syndrome. Also called: Tumor predisposition; Hereditary neoplastic syndrome; Neoplastic Syndromes, Hereditary; Hereditary Cancer Syndrome. Identifiers: Orphanet 140162, MedGen C0027672, MeSH D009386, MONDO:0015356.

Allele frequency attached by ClinVar (database versions not stated): gnomAD exomes 0.00007; ESP Exome Variant Server 0.00008; ExAC 0.00014; gnomAD 0.00004.
gnomAD v4.1: 69 of 1,611,918 alleles (0.0043%); highest among the groups gnomAD compares: Non-Finnish European, 0.0055%; no homozygotes.

Submissions (2):

Ambry Genetics
Classification: Uncertain significance for Hereditary cancer-predisposing syndrome. Last evaluated: 2026-07-02. Review status: criteria provided, single submitter. Criteria: Ambry Variant Classification Scheme 2023. Collection method: clinical testing. Allele origin: germline.
Comment: The p.H131N variant (also known as c.391C>A), located in coding exon 5 of the SDHC gene, results from a C to A substitution at nucleotide position 391. The histidine at codon 131 is replaced by asparagine, an amino acid with similar properties. This amino acid position is conserved. In addition, this alteration is predicted to be tolerated by in silico analysis. Based on the available evidence, the clinical significance of this variant remains unclear.

Center for Genomic Medicine, Rigshospitalet, Copenhagen University Hospital
Classification: Likely benign. Last evaluated: 2025-03-04. Review status: criteria provided, single submitter. Criteria: ACMG Guidelines, 2015. Collection method: clinical testing. Allele origin: germline.

NM_003001.5(SDHC):c.*45C>A

Gene: SDHC (succinate dehydrogenase complex subunit C; plus strand). Cytogenetic location: 1q23.3.
Variant type: single nucleotide variant.
Coding change: c.*45C>A on transcript NM_003001.5 (MANE Select); 45 bases downstream of the stop codon, C replaced by A.
Molecular consequence: 3 prime UTR variant. On other transcripts: missense variant (3).
Genome position (GRCh38, 1-based): chr1:161,362,478, C>A. VCF-style: chr1-161362478-C-A. GRCh37 (hg19) VCF-style: chr1-161332268-C-A.
Other names: c.391C>A (NM_001035511.1); c.391C>A, p.His131Asn (NM_001035511.3); c.*45C>A (NM_001035512.3, NM_001035513.3, NM_001407115.1 and 5 more transcripts); c.289C>A, p.His97Asn (NM_001278172.3); c.334C>A, p.His112Asn (NM_001407121.1); short protein forms H131N, H97N, H112N.
Identifiers: ClinVar variation 1697865 (VCV001697865.8), dbSNP rs370435919, ClinGen allele CA047794.